The following is an entry in ClinVar:

ClinVar aggregate classification (germline): Uncertain significance (1 of 4 stars; one submission).

Conditions:
Sulfite oxidase deficiency. Also called: Isolated sulfite oxidase deficiency. Identifiers: Orphanet 833, Orphanet 99731, MedGen C0268624, MONDO:0010089, OMIM 272300, HP:0003643.

Allele frequency attached by ClinVar (database versions not stated): ESP Exome Variant Server 0.00008.

Submission:

Labcorp Genetics (formerly Invitae), Labcorp
Classification: Uncertain significance for Sulfite oxidase deficiency. Last evaluated: 2021-09-24. Review status: criteria provided, single submitter. Criteria: Invitae Variant Classification Sherloc (09022015). Collection method: clinical testing. Allele origin: germline.
Comment: This sequence change replaces histidine with arginine at codon 73 of the SUOX protein (p.His73Arg). The histidine residue is moderately conserved and there is a small physicochemical difference between histidine and arginine. This variant is present in population databases (rs149357066, ExAC 0.01%). This variant has not been reported in the literature in individuals with SUOX-related conditions. Algorithms developed to predict the effect of missense changes on protein structure and function output the following: SIFT: "Tolerated"; PolyPhen-2: "Benign"; Align-GVGD: "Class C0". The arginine amino acid residue is found in multiple mammalian species, suggesting that this missense change does not adversely affect protein function. These predictions have not been confirmed by published functional studies and their clinical significance is uncertain. In summary, the available evidence is currently insufficient to determine the role of this variant in disease. Therefore, it has been classified as a Variant of Uncertain Significance.

NM_001032386.2(SUOX):c.218A>G (p.His73Arg)

Gene: SUOX (sulfite oxidase; plus strand). Cytogenetic location: 12q13.2.
Variant type: single nucleotide variant.
Coding change: c.218A>G on transcript NM_001032386.2 (MANE Select); coding-DNA position 218, A replaced by G.
Protein change: p.His73Arg; replaces histidine 73 with arginine.
Molecular consequence: missense variant.
Genome position (GRCh38, 1-based): chr12:56,002,710, A>G. VCF-style: chr12-56002710-A-G. GRCh37 (hg19) VCF-style: chr12-56396494-A-G.
Other names: c.218A>G, p.His73Arg (NM_000456.3, NM_001032387.2); short protein forms H73R.
Identifiers: ClinVar variation 1415410 (VCV001415410.6), dbSNP rs149357066, ClinGen allele CA6620901.